The following is an entry in ClinVar:

NM_003721.4(RFXANK):c.589G>A (p.Ala197Thr)

Gene: RFXANK (regulatory factor X associated ankyrin containing protein; plus strand). Cytogenetic location: 19p13.11.
Variant type: single nucleotide variant.
Coding change: c.589G>A on transcript NM_003721.4 (MANE Select); coding-DNA position 589, G replaced by A.
Protein change: p.Ala197Thr; replaces alanine 197 with threonine.
Molecular consequence: missense variant.
Genome position (GRCh38, 1-based): chr19:19,198,681, G>A. VCF-style: chr19-19198681-G-A. GRCh37 (hg19) VCF-style: chr19-19309490-G-A.
Other names: c.523G>A, p.Ala175Thr (NM_001278727.2, NM_001370234.1); c.520G>A, p.Ala174Thr (NM_001278728.2, NM_134440.3); c.589G>A, p.Ala197Thr (NM_001370233.1, NM_001370238.1); c.586G>A, p.Ala196Thr (NM_001370235.1, NM_001370236.1, NM_001370237.1); short protein forms A174T, A196T, A197T, A175T.
Identifiers: ClinVar variation 1425514 (VCV001425514.5), dbSNP rs745335142, ClinGen allele CA9322827.

ClinVar aggregate classification (germline): Uncertain significance (1 of 4 stars; one submission).

Conditions:
MHC class II deficiency. Also called: BLS, TYPE II; Bare lymphocyte syndrome 2. Identifiers: Orphanet 572, MedGen C5447452, MONDO:0008855.

Allele frequency attached by ClinVar (database versions not stated): ExAC 0.00001; gnomAD exomes 0.00001 and 0.00003.
gnomAD v4.1: 51 of 1,613,850 alleles (0.0032%); highest among the groups gnomAD compares: East Asian, 0.011%; no homozygotes.

Submission:

Labcorp Genetics (formerly Invitae), Labcorp
Classification: Uncertain significance for MHC class II deficiency. Last evaluated: 2021-08-28. Review status: criteria provided, single submitter. Criteria: Invitae Variant Classification Sherloc (09022015). Collection method: clinical testing. Allele origin: germline.
Comment: This sequence change replaces alanine with threonine at codon 197 of the RFXANK protein (p.Ala197Thr). The alanine residue is highly conserved and there is a small physicochemical difference between alanine and threonine. This variant is present in population databases (rs745335142, ExAC 0.002%). This variant has not been reported in the literature in individuals affected with RFXANK-related conditions. Algorithms developed to predict the effect of missense changes on protein structure and function are either unavailable or do not agree on the potential impact of this missense change (SIFT: "Deleterious"; PolyPhen-2: "Probably Damaging"; Align-GVGD: "Class C0"). In summary, the available evidence is currently insufficient to determine the role of this variant in disease. Therefore, it has been classified as a Variant of Uncertain Significance.